The following is an entry in ClinVar:

ClinVar aggregate classification (germline): Uncertain significance (1 of 4 stars; one submission).

Conditions:
Neurofibromatosis, type 1 (NF1). Also called: VON RECKLINGHAUSEN DISEASE; Neurofibromatosis, type I; NEUROFIBROMATOSIS, TYPE I, SOMATIC; Peripheral type neurofibromatosis. Identifiers: Orphanet 636, MedGen C0027831, MONDO:0018975, OMIM 162200. Disease mechanism: loss of function.

Submission:

Labcorp Genetics (formerly Invitae), Labcorp
Classification: Uncertain significance for Neurofibromatosis, type 1. Last evaluated: 2023-09-26. Review status: criteria provided, single submitter. Criteria: Invitae Variant Classification Sherloc (09022015). Collection method: clinical testing. Allele origin: germline.
Comment: In summary, the available evidence is currently insufficient to determine the role of this variant in disease. Therefore, it has been classified as a Variant of Uncertain Significance. Advanced modeling of protein sequence and biophysical properties (such as structural, functional, and spatial information, amino acid conservation, physicochemical variation, residue mobility, and thermodynamic stability) performed at Invitae indicates that this missense variant is not expected to disrupt NF1 protein function. This variant has not been reported in the literature in individuals affected with NF1-related conditions. This variant is not present in population databases (gnomAD no frequency). This sequence change replaces histidine, which is basic and polar, with asparagine, which is neutral and polar, at codon 448 of the NF1 protein (p.His448Asn).

NM_001042492.3(NF1):c.1342C>A (p.His448Asn)

Gene: NF1 (neurofibromin 1; plus strand). Cytogenetic location: 17q11.2.
Variant type: single nucleotide variant.
Coding change: c.1342C>A on transcript NM_001042492.3 (MANE Select); coding-DNA position 1342, C replaced by A.
Protein change: p.His448Asn; replaces histidine 448 with asparagine.
Molecular consequence: missense variant.
Genome position (GRCh38, 1-based): chr17:31,206,321, C>A. VCF-style: chr17-31206321-C-A. GRCh37 (hg19) VCF-style: chr17-29533339-C-A.
Other names: c.1342C>A, p.His448Asn (NM_000267.4, NM_001128147.3); short protein forms H448N.
Identifiers: ClinVar variation 2763465 (VCV002763465.3), dbSNP rs1131691257, ClinGen allele CA398999566.